The following is an entry in ClinVar:

ClinVar aggregate classification (germline): Pathogenic (1 of 4 stars; one submission).

Conditions:
Cardiovascular phenotype. Identifiers: MedGen CN230736.
Hereditary cancer-predisposing syndrome. Also called: Neoplastic Syndromes, Hereditary; Tumor predisposition; Hereditary Cancer Syndrome; Hereditary neoplastic syndrome. Identifiers: Orphanet 140162, MedGen C0027672, MeSH D009386, MONDO:0015356.

Submission:

Ambry Genetics
Classification: Pathogenic for Cardiovascular phenotype; Hereditary cancer-predisposing syndrome. Last evaluated: 2026-04-30. Review status: criteria provided, single submitter. Criteria: Ambry Variant Classification Scheme 2023. Collection method: clinical testing. Allele origin: germline.
Comment: The c.6560dupC pathogenic mutation, located in coding exon 42 of the NF1 gene, results from a duplication of C at nucleotide position 6560, causing a translational frameshift with a predicted alternate stop codon (p.L2188Ffs*33). This variant is considered to be rare based on population cohorts in the Genome Aggregation Database (gnomAD). This alteration is expected to result in loss of function by premature protein truncation or nonsense-mediated mRNA decay. As such, this alteration is interpreted as a disease-causing mutation.

NM_001042492.3(NF1):c.6623dup (p.Leu2209fs)

Gene: NF1 (neurofibromin 1; plus strand). Cytogenetic location: 17q11.2.
Variant type: Duplication.
Coding change: c.6623dup on transcript NM_001042492.3 (MANE Select); coding-DNA position 6623, one base duplicated (C; older notation c.6623dupC).
Protein change: p.Leu2209fs; shifts the reading frame from leucine 2209.
Molecular consequence: frameshift variant.
Genome position (GRCh38, 1-based): chr17:31,337,563, C duplicated. VCF-style (leftmost placement, unchanged base first): chr17-31337562-G-GC. GRCh37 (hg19) VCF-style: chr17-29664580-G-GC.
Other names: c.6560dupC (NM_000267.3); c.6560dup, p.Leu2188fs (NM_000267.4); short protein forms L2188fs, L2209fs.
Identifiers: ClinVar variation 4860923 (VCV004860923.1).